The following is an entry in ClinVar:

ClinVar aggregate classification (germline): Uncertain significance (1 of 4 stars; one submission).

Allele frequency attached by ClinVar (database versions not stated): gnomAD exomes below 0.00001.
gnomAD v4.1: 1 of 1,614,024 alleles (0.000062%); highest among the groups gnomAD compares: Non-Finnish European, 0.000085%; no homozygotes.

Submission:

Ambry Genetics
Classification: Uncertain significance. Last evaluated: 2025-03-22. Review status: criteria provided, single submitter. Criteria: Ambry Variant Classification Scheme 2023. Collection method: clinical testing. Allele origin: germline.
Comment: The p.E395A variant (also known as c.1184A>C), located in coding exon 9 of the FAM175A gene, results from an A to C substitution at nucleotide position 1184. The glutamic acid at codon 395 is replaced by alanine, an amino acid with dissimilar properties. This amino acid position is conserved. In addition, this alteration is predicted to be tolerated by in silico analysis. Since supporting evidence is limited at this time, the clinical significance of this alteration remains unclear.

NM_139076.3(ABRAXAS1):c.1184A>C (p.Glu395Ala)

Gene: ABRAXAS1 (abraxas 1, BRCA1 A complex subunit; minus strand). Cytogenetic location: 4q21.23.
Variant type: single nucleotide variant.
Coding change: c.1184A>C on transcript NM_139076.3 (MANE Select); coding-DNA position 1184, A replaced by C.
Protein change: p.Glu395Ala; replaces glutamic acid 395 with alanine.
Molecular consequence: missense variant.
Genome position (GRCh38, 1-based): chr4:83,462,515, T>G on the plus strand (A>C on the coding strand, the complement: ABRAXAS1 is on the minus strand). VCF-style: chr4-83462515-T-G. GRCh37 (hg19) VCF-style: chr4-84383668-T-G.
Other names: c.857A>C, p.Glu286Ala (NM_001345962.2); short protein forms E286A, E395A.
Identifiers: ClinVar variation 1799786 (VCV001799786.3), dbSNP rs2529417725, ClinGen allele CA357254941.